The following is an entry in ClinVar:

NM_201384.3(PLEC):c.5828A>G (p.Glu1943Gly)

Gene: PLEC (plectin; minus strand). Cytogenetic location: 8q24.3.
Variant type: single nucleotide variant.
Coding change: c.5828A>G on transcript NM_201384.3 (MANE Select); coding-DNA position 5828, A replaced by G.
Protein change: p.Glu1943Gly; replaces glutamic acid 1943 with glycine.
Molecular consequence: missense variant.
Genome position (GRCh38, 1-based): chr8:143,924,101, T>C on the plus strand (A>G on the coding strand, the complement: PLEC is on the minus strand). VCF-style: chr8-143924101-T-C. GRCh37 (hg19) VCF-style: chr8-144998269-T-C.
Other names: c.5909A>G, p.Glu1970Gly (NM_000445.5); c.5786A>G, p.Glu1929Gly (NM_201378.4); c.5762A>G, p.Glu1921Gly (NM_201379.3); c.6239A>G, p.Glu2080Gly (NM_201380.4); c.5732A>G, p.Glu1911Gly (NM_201381.3); c.5828A>G, p.Glu1943Gly (NM_201382.4); c.5840A>G, p.Glu1947Gly (NM_201383.3); short protein forms E1943G, E1970G, E1947G, E1911G, E1929G, E2080G, E1921G.
Identifiers: ClinVar variation 598426 (VCV000598426.8), dbSNP rs527440807, ClinGen allele CA187615370.
Genomic context (GRCh38, chr8:143,924,101, plus strand): 5'-TCCTTGCTGCGCAGCGTGTCCTCCGCGTTGCTGCGGATGCGTCCCAGCTCCAGCTCCAGC[T>C]CCGCCTTGCCAGCGGCCGCCTTCTCGAAGCTCGCCTTCAGCGCCAGGATCTCCTCCTCCA-3'
Protein context (NP_958786.1, residues 1933-1953): SFEKAAAGKA[Glu1943Gly]LELELGRIRS

ClinVar aggregate classification (germline): Uncertain significance. Review status: criteria provided, multiple submitters, no conflicts (2 of 4 stars). 2 submissions from 2 submitters: Uncertain significance (2). Last evaluated 2023-08-10.

Conditions:
Epidermolysis bullosa simplex 5B, with muscular dystrophy (EBS5B). Also called: Epidermolysis bullosa simplex with muscular dystrophy; EPIDERMOLYSIS BULLOSA SIMPLEX AND LIMB-GIRDLE MUSCULAR DYSTROPHY. Identifiers: Orphanet 257, MedGen C2931072, MONDO:0009181, OMIM 226670.
Epidermolysis bullosa simplex, Ogna type (EBS5A). Also called: Pidermolysis bullosa simplex 5A, Ogna type; EPIDERMOLYSIS BULLOSA SIMPLEX 5A, OGNA TYPE. Identifiers: Orphanet 79401, MedGen C0432317, MONDO:0007555, OMIM 131950.
Epidermolysis bullosa simplex with nail dystrophy (EBS5D). Identifiers: MedGen C4225309, MONDO:0014661, OMIM 616487.
Autosomal recessive limb-girdle muscular dystrophy type 2Q (LGMDR17). Also called: MUSCULAR DYSTROPHY, LIMB-GIRDLE, AUTOSOMAL RECESSIVE 17. Identifiers: Orphanet 254361, MedGen C3150989, MONDO:0013390, OMIM 613723.
Epidermolysis bullosa simplex 5C, with pyloric atresia (EBS5C). Also called: PLEC-Related Epidermolysis Bullosa with Pyloric Atresia; Epidermolysis bullosa simplex with pyloric atresia; PLEC1-Related Epidermolysis Bullosa with Pyloric Atresia. Identifiers: Orphanet 158684, MedGen C2677349, MONDO:0012807, OMIM 612138.

Allele frequency attached by ClinVar (database versions not stated): TOPMed below 0.00001; gnomAD 0.00001; 1000 Genomes Project 0.00020; 1000 Genomes Project 30x 0.00031.

Submissions (2):

Labcorp Genetics (formerly Invitae), Labcorp
Classification: Uncertain significance for Autosomal recessive limb-girdle muscular dystrophy type 2Q; Epidermolysis bullosa simplex, Ogna type; Epidermolysis bullosa simplex with nail dystrophy; Epidermolysis bullosa simplex 5C, with pyloric atresia; Epidermolysis bullosa simplex 5B, with muscular dystrophy. Last evaluated: 2023-08-10. Review status: criteria provided, single submitter. Criteria: Invitae Variant Classification Sherloc (09022015). Collection method: clinical testing. Allele origin: germline.
Comment: In summary, the available evidence is currently insufficient to determine the role of this variant in disease. Therefore, it has been classified as a Variant of Uncertain Significance. Experimental studies and prediction algorithms are not available or were not evaluated, and the functional significance of this variant is currently unknown. This variant has not been reported in the literature in individuals affected with PLEC-related conditions. This variant is not present in population databases (gnomAD no frequency). This sequence change replaces glutamic acid, which is acidic and polar, with glycine, which is neutral and non-polar, at codon 1970 of the PLEC protein (p.Glu1970Gly).

Eurofins Ntd Llc (ga)
Classification: Uncertain significance. Last evaluated: 2018-08-17. Review status: criteria provided, single submitter. Criteria: EGL ClinVar v180209 classification definitions. Collection method: clinical testing. Allele origin: germline. Observed: 1 variant allele, 1 heterozygote.